The following is an entry in ClinVar:

NM_005022.4(PFN1):c.167G>A (p.Arg56Gln)

Gene: PFN1 (profilin 1; minus strand). Cytogenetic location: 17p13.2.
Variant type: single nucleotide variant.
Coding change: c.167G>A on transcript NM_005022.4 (MANE Select); coding-DNA position 167, G replaced by A.
Protein change: p.Arg56Gln; replaces arginine 56 with glutamine.
Molecular consequence: missense variant.
Genome position (GRCh38, 1-based): chr17:4,946,786, C>T on the plus strand (G>A on the coding strand, the complement: PFN1 is on the minus strand). VCF-style: chr17-4946786-C-T. GRCh37 (hg19) VCF-style: chr17-4850081-C-T.
Other names: c.167G>A, p.Arg56Gln (NM_001375991.1); short protein forms R56Q.
Identifiers: ClinVar variation 4725372 (VCV004725372.1).

ClinVar aggregate classification (germline): Uncertain significance (1 of 4 stars; one submission).

Submission:

Labcorp Genetics (formerly Invitae), Labcorp
Classification: Uncertain significance. Last evaluated: 2025-08-13. Review status: criteria provided, single submitter. Criteria: Invitae Variant Classification Sherloc (09022015). Collection method: clinical testing. Allele origin: germline.
Comment: This sequence change replaces arginine, which is basic and polar, with glutamine, which is neutral and polar, at codon 56 of the PFN1 protein (p.Arg56Gln). This variant is not present in population databases (gnomAD no frequency). This variant has not been reported in the literature in individuals affected with PFN1-related conditions. An algorithm developed to predict the effect of missense changes on protein structure and function (PolyPhen-2) suggests that this variant is likely to be tolerated. In summary, the available evidence is currently insufficient to determine the role of this variant in disease. Therefore, it has been classified as a Variant of Uncertain Significance.